The following is an entry in ClinVar:

ClinVar aggregate classification (germline): Uncertain significance. Review status: criteria provided, multiple submitters, no conflicts (2 of 4 stars). 2 submissions from 2 submitters: Uncertain significance (2). Last evaluated 2024-03-06.

Submissions (2):

GeneDx
Classification: Uncertain significance. Last evaluated: 2024-03-06. Review status: criteria provided, single submitter. Criteria: GeneDx Variant Classification Process June 2021. Collection method: clinical testing. Allele origin: germline. Affected: yes.
Comment: Not observed at significant frequency in large population cohorts (gnomAD); In silico analysis supports that this missense variant does not alter protein structure/function; Has not been previously published as pathogenic or benign to our knowledge

Labcorp Genetics (formerly Invitae), Labcorp
Classification: Uncertain significance. Last evaluated: 2022-12-09. Review status: criteria provided, single submitter. Criteria: Invitae Variant Classification Sherloc (09022015). Collection method: clinical testing. Allele origin: germline.
Comment: In summary, the available evidence is currently insufficient to determine the role of this variant in disease. Therefore, it has been classified as a Variant of Uncertain Significance. Algorithms developed to predict the effect of missense changes on protein structure and function are either unavailable or do not agree on the potential impact of this missense change (SIFT: "Not Available"; PolyPhen-2: "Possibly Damaging"; Align-GVGD: "Not Available"). This variant has not been reported in the literature in individuals affected with KCNK4-related conditions. This variant is not present in population databases (gnomAD no frequency). This sequence change replaces glycine, which is neutral and non-polar, with arginine, which is basic and polar, at codon 291 of the KCNK4 protein (p.Gly291Arg).

NM_033310.3(KCNK4):c.871G>C (p.Gly291Arg)

Genes: KCNK4 (potassium two pore domain channel subfamily K member 4; plus strand), KCNK4-CATSPERZ (KCNK4-CATSPERZ readthrough (NMD candidate); plus strand). Cytogenetic location: 11q13.1.
Variant type: single nucleotide variant.
Coding change: c.871G>C on transcript NM_033310.3 (MANE Select); coding-DNA position 871, G replaced by C.
Protein change: p.Gly291Arg; replaces glycine 291 with arginine.
Molecular consequence: missense variant. On other transcripts: non-coding transcript variant (3).
Genome position (GRCh38, 1-based): chr11:64,299,415, G>C. VCF-style: chr11-64299415-G-C. GRCh37 (hg19) VCF-style: chr11-64066887-G-C.
Other names: c.871G>C, p.Gly291Arg (NM_001317090.2, NM_033311.1); c.871G>C (NM_033310.2); short protein forms G291R.
Identifiers: ClinVar variation 2807726 (VCV002807726.4), dbSNP rs2034865482, ClinGen allele CA381067242.